The following is an entry in ClinVar:

NM_007294.4(BRCA1):c.4529T>C (p.Met1510Thr)

Gene: BRCA1 (BRCA1 DNA repair associated; minus strand). Cytogenetic location: 17q21.31.
Variant type: single nucleotide variant.
Coding change: c.4529T>C on transcript NM_007294.4 (MANE Select); coding-DNA position 4529, T replaced by C.
Protein change: p.Met1510Thr; replaces methionine 1510 with threonine.
Molecular consequence: missense variant. On other transcripts: non-coding transcript variant (1).
Genome position (GRCh38, 1-based): chr17:43,074,477, A>G on the plus strand (T>C on the coding strand, the complement: BRCA1 is on the minus strand). VCF-style: chr17-43074477-A-G. GRCh37 (hg19) VCF-style: chr17-41226494-A-G.
Other names: c.1217T>C, p.Met406Thr (NM_001407980.1, NM_001407991.1, NM_001407992.1 and 13 more transcripts); c.4448T>C, p.Met1483Thr (NM_001407656.1, NM_001407657.1, NM_001407658.1); c.4406T>C, p.Met1469Thr (NM_001407669.1, NM_001407667.1, NM_001407668.1 and 6 more transcripts); c.4403T>C, p.Met1468Thr (NM_001407670.1, NM_001407939.1, NM_001407940.1 and 11 more transcripts); c.4445T>C, p.Met1482Thr (NM_001407659.1, NM_001407660.1, NM_001407661.1 and 2 more transcripts); c.1214T>C, p.Met405Thr (NM_001408396.1, NM_001408397.1, NM_001408392.1 and 8 more transcripts); c.4316T>C, p.Met1439Thr (NM_001407895.1, NM_001407896.1, NM_001407897.1 and 12 more transcripts); c.4313T>C, p.Met1438Thr (NM_001407915.1, NM_001407916.1, NM_001407917.1 and 1 more transcripts); and 68 more; short protein forms M1510T, M406T, M1463T, M1531T, M1382T, M1421T, M1422T, M1440T.
Identifiers: ClinVar variation 420259 (VCV000420259.10), dbSNP rs1064794378, ClinGen allele CA10592463.

ClinVar aggregate classification (germline): Uncertain significance. Review status: criteria provided, multiple submitters, no conflicts (2 of 4 stars). 3 submissions from 3 submitters: Uncertain significance (3). Last evaluated 2022-03-14.

Conditions:
Hereditary cancer-predisposing syndrome. Also called: Hereditary neoplastic syndrome; Tumor predisposition; Neoplastic Syndromes, Hereditary; Hereditary Cancer Syndrome. Identifiers: Orphanet 140162, MedGen C0027672, MeSH D009386, MONDO:0015356.
Hereditary breast ovarian cancer syndrome. Also called: Hereditary breast and ovarian cancer; Hereditary breast and/or ovarian cancer syndrome; Hereditary breast and ovarian cancer syndrome; Hereditary breast and ovarian cancer syndrome (HBOC); Breast and ovarian cancer; BRCA1- and BRCA2-Associated Hereditary Breast and Ovarian Cancer. Identifiers: Orphanet 145, MedGen C0677776, MeSH D061325, MONDO:0003582. Disease mechanism: loss of function.

Submissions (3):

Ambry Genetics
Classification: Uncertain significance for Hereditary cancer-predisposing syndrome. Last evaluated: 2022-03-14. Review status: criteria provided, single submitter. Criteria: Ambry Variant Classification Scheme 2023. Collection method: clinical testing. Allele origin: germline.
Comment: The p.M1510T variant (also known as c.4529T>C), located in coding exon 13 of the BRCA1 gene, results from a T to C substitution at nucleotide position 4529. The methionine at codon 1510 is replaced by threonine, an amino acid with similar properties. This amino acid position is not well conserved in available vertebrate species. In addition, the in silico prediction for this alteration is inconclusive. Since supporting evidence is limited at this time, the clinical significance of this alteration remains unclear.

Labcorp Genetics (formerly Invitae), Labcorp
Classification: Uncertain significance for Hereditary breast ovarian cancer syndrome. Last evaluated: 2021-12-06. Review status: criteria provided, single submitter. Criteria: Invitae Variant Classification Sherloc (09022015). Collection method: clinical testing. Allele origin: germline.
Comment: This sequence change replaces methionine, which is neutral and non-polar, with threonine, which is neutral and polar, at codon 1510 of the BRCA1 protein (p.Met1510Thr). This variant is not present in population databases (gnomAD no frequency). This variant has not been reported in the literature in individuals affected with BRCA1-related conditions. ClinVar contains an entry for this variant (Variation ID: 420259). Advanced modeling of protein sequence and biophysical properties (such as structural, functional, and spatial information, amino acid conservation, physicochemical variation, residue mobility, and thermodynamic stability) performed at Invitae indicates that this missense variant is not expected to disrupt BRCA1 protein function. In summary, the available evidence is currently insufficient to determine the role of this variant in disease. Therefore, it has been classified as a Variant of Uncertain Significance.

GeneDx
Classification: Uncertain significance. Last evaluated: 2017-02-01. Review status: criteria provided, single submitter. Criteria: GeneDx Variant Classification (06012015). Collection method: clinical testing. Allele origin: germline. Affected: yes.
Comment: This variant is denoted BRCA1 c.4529T>C at the cDNA level, p.Met1510Thr (M1510T) at the protein level, and results in the change of a Methionine to a Threonine (ATG>ACG). Using alternate nomenclature, this variant would be defined as BRCA1 4648T>C. This variant has not, to our knowledge, been published in the literature as pathogenic or benign. BRCA1 Met1510Thr was not observed in approximately 6,500 individuals of European and African American ancestry in the NHLBI Exome Sequencing Project, suggesting it is not a common benign variant in these populations. Since Methionine and Threonine differ in polarity, charge, size or other properties, this is considered a non-conservative amino acid substitution. BRCA1 Met1510Thr occurs at a position that is not conserved and is located within the SCD domain and a region known to interact with multiple other proteins (Narod 2004, Paul 2014). In silico analyses are inconsistent regarding the effect this variant may have on protein structure and function. Based on currently available evidence, it is unclear whether BRCA1 Met1510Thr is a pathogenic or benign variant. We consider it to be a variant of uncertain significance.